The following is an entry in ClinVar:

ClinVar aggregate classification (germline): Uncertain significance. Review status: criteria provided, multiple submitters, no conflicts (2 of 4 stars). 2 submissions from 2 submitters: Uncertain significance (2). Last evaluated 2025-08-13.

Conditions:
Hereditary cancer-predisposing syndrome. Also called: Tumor predisposition; Neoplastic Syndromes, Hereditary; Hereditary Cancer Syndrome; Hereditary neoplastic syndrome. Identifiers: Orphanet 140162, MedGen C0027672, MeSH D009386, MONDO:0015356.
EGFR-related lung cancer (EGFR). Identifiers: MedGen CN130014.

Submissions (2):

Labcorp Genetics (formerly Invitae), Labcorp
Classification: Uncertain significance for EGFR-related lung cancer. Last evaluated: 2025-08-13. Review status: criteria provided, single submitter. Criteria: Invitae Variant Classification Sherloc (09022015). Collection method: clinical testing. Allele origin: germline.
Comment: This sequence change replaces serine, which is neutral and polar, with arginine, which is basic and polar, at codon 457 of the EGFR protein (p.Ser457Arg). This variant is not present in population databases (gnomAD no frequency). This variant has not been reported in the literature in individuals affected with EGFR-related conditions. ClinVar contains an entry for this variant (Variation ID: 2009677). Invitae Evidence Modeling of protein sequence and biophysical properties (such as structural, functional, and spatial information, amino acid conservation, physicochemical variation, residue mobility, and thermodynamic stability) indicates that this missense variant is not expected to disrupt EGFR protein function with a negative predictive value of 80%. In summary, the available evidence is currently insufficient to determine the role of this variant in disease. Therefore, it has been classified as a Variant of Uncertain Significance.

Ambry Genetics
Classification: Uncertain significance for Hereditary cancer-predisposing syndrome. Last evaluated: 2025-04-28. Review status: criteria provided, single submitter. Criteria: Ambry Variant Classification Scheme 2023. Collection method: clinical testing. Allele origin: germline.
Comment: The p.S457R variant (also known as c.1371T>A), located in coding exon 12 of the EGFR gene, results from a T to A substitution at nucleotide position 1371. The serine at codon 457 is replaced by arginine, an amino acid with dissimilar properties. This amino acid position is highly conserved in available vertebrate species. In addition, this alteration is predicted to be deleterious by in silico analysis. Based on the available evidence, the clinical significance of this variant remains unclear.

NM_005228.5(EGFR):c.1371T>A (p.Ser457Arg)

Gene: EGFR (epidermal growth factor receptor; plus strand). Cytogenetic location: 7p11.2.
Variant type: single nucleotide variant.
Coding change: c.1371T>A on transcript NM_005228.5 (MANE Select); coding-DNA position 1371, T replaced by A.
Protein change: p.Ser457Arg; replaces serine 457 with arginine.
Molecular consequence: missense variant.
Genome position (GRCh38, 1-based): chr7:55,160,211, T>A. VCF-style: chr7-55160211-T-A. GRCh37 (hg19) VCF-style: chr7-55227904-T-A.
Other names: c.1236T>A, p.Ser412Arg (NM_001346897.2, NM_001346899.2); c.1371T>A, p.Ser457Arg (NM_001346898.2, NM_201282.2, NM_201284.2); c.1212T>A, p.Ser404Arg (NM_001346900.2); c.570T>A, p.Ser190Arg (NM_001346941.2); short protein forms S404R, S457R, S190R, S412R.
Identifiers: ClinVar variation 2009677 (VCV002009677.5), dbSNP rs755147377, ClinGen allele CA367579459.